The following is an entry in ClinVar:

ClinVar aggregate classification (germline): Uncertain significance (1 of 4 stars; one submission).

Conditions:
Spastic paraplegia. Identifiers: MedGen C0037772, HP:0001258.

Submission:

Labcorp Genetics (formerly Invitae), Labcorp
Classification: Uncertain significance for Spastic paraplegia. Last evaluated: 2022-08-09. Review status: criteria provided, single submitter. Criteria: Invitae Variant Classification Sherloc (09022015). Collection method: clinical testing. Allele origin: germline.
Comment: This variant, c.8_10del, results in the deletion of 1 amino acid(s) of the CYP7B1 protein (p.Gly3del), but otherwise preserves the integrity of the reading frame. This variant is not present in population databases (gnomAD no frequency). This variant has not been reported in the literature in individuals affected with CYP7B1-related conditions. ClinVar contains an entry for this variant (Variation ID: 1494334). Experimental studies and prediction algorithms are not available or were not evaluated, and the functional significance of this variant is currently unknown. In summary, the available evidence is currently insufficient to determine the role of this variant in disease. Therefore, it has been classified as a Variant of Uncertain Significance.

NM_004820.5(CYP7B1):c.8_10del (p.Gly3del)

Genes: CYP7B1 (cytochrome P450 family 7 subfamily B member 1; minus strand), LOC130000507 (ATAC-STARR-seq lymphoblastoid silent region 19243; plus strand). Cytogenetic location: 8q12.3.
Variant type: Deletion.
Coding change: c.8_10del on transcript NM_004820.5 (MANE Select); coding-DNA positions 8 to 10, 3 bases deleted (GAG; older notation c.8_10delGAG).
Protein change: p.Gly3del; deletes glycine 3.
Molecular consequence: inframe deletion.
Genome position (GRCh38, 1-based): chr8:64,798,578-64,798,580, CTC deleted on the plus strand (GAG on the coding strand, the reverse complement: CYP7B1 is on the minus strand); deleting any 3 consecutive bases within chr8:64,798,578-64,798,582 gives the same sequence; the c. name uses the placement nearest the transcript's 3' end. VCF-style (leftmost placement, unchanged base first): chr8-64798577-TCTC-T. GRCh37 (hg19) VCF-style: chr8-65711134-TCTC-T.
Other names: c.8_10del, p.Gly3del (NM_001324112.2); short protein forms G3del.
Identifiers: ClinVar variation 1494334 (VCV001494334.3), dbSNP rs1460521602, ClinGen allele CA854321948.
Genomic context (GRCh38, chr8:64,798,577, plus strand): 5'-AGGGCCAGGCCCGGGAGGCCCAACCGCTCCAGCGAAAAGCGGCCCGTGGCCGCGGACACT[TCTC>T]CTGCCATCCGGCGCGCGCTAGGCCGCGGTGGGCAGCCCGGGGTCTGCCTGCGAACAGCGC-3'